The following is an entry in ClinVar:

NM_001379200.1(TBX1):c.732C>T (p.His244=)

Gene: TBX1 (T-box transcription factor 1; plus strand). Cytogenetic location: 22q11.21.
Variant type: single nucleotide variant.
Coding change: c.732C>T on transcript NM_001379200.1 (MANE Select); coding-DNA position 732, C replaced by T.
Protein change: p.His244=; no amino-acid change (histidine 244 retained).
Molecular consequence: synonymous variant.
Genome position (GRCh38, 1-based): chr22:19,764,978, C>T. VCF-style: chr22-19764978-C-T. GRCh37 (hg19) VCF-style: chr22-19752501-C-T.
Other names: c.705C>T, p.His235= (NM_005992.1, NM_080646.2, NM_080647.1).
Identifiers: ClinVar variation 1950730 (VCV001950730.5), dbSNP rs1936782985, ClinGen allele CA513361376.

ClinVar aggregate classification (germline): Uncertain significance (1 of 4 stars; one submission).

Conditions:
DiGeorge syndrome. Also called: THIRD AND FOURTH PHARYNGEAL POUCH SYNDROME; Catch22. Identifiers: Orphanet 567, MedGen C0012236, MONDO:0008564, OMIM 188400.

Allele frequency attached by ClinVar (database versions not stated): gnomAD exomes below 0.00001; TOPMed below 0.00001.

Submission:

Labcorp Genetics (formerly Invitae), Labcorp
Classification: Uncertain significance for DiGeorge syndrome. Last evaluated: 2022-05-25. Review status: criteria provided, single submitter. Criteria: Invitae Variant Classification Sherloc (09022015). Collection method: clinical testing. Allele origin: germline.
Comment: This variant has not been reported in the literature in individuals affected with TBX1-related conditions. This variant is not present in population databases (gnomAD no frequency). This sequence change affects codon 235 of the TBX1 mRNA. It is a 'silent' change, meaning that it does not change the encoded amino acid sequence of the TBX1 protein. Algorithms developed to predict the effect of sequence changes on RNA splicing suggest that this variant may disrupt the consensus splice site. In summary, the available evidence is currently insufficient to determine the role of this variant in disease. Therefore, it has been classified as a Variant of Uncertain Significance.